The following is an entry in ClinVar:

NM_002528.7(NTHL1):c.123G>C (p.Arg41Ser)

Gene: NTHL1 (nth like DNA glycosylase 1; minus strand). Cytogenetic location: 16p13.3.
Variant type: single nucleotide variant.
Coding change: c.123G>C on transcript NM_002528.7 (MANE Select); coding-DNA position 123, G replaced by C.
Protein change: p.Arg41Ser; replaces arginine 41 with serine.
Molecular consequence: missense variant. On other transcripts: 5 prime UTR variant (1).
Genome position (GRCh38, 1-based): chr16:2,046,359, C>G on the plus strand (G>C on the coding strand, the complement: NTHL1 is on the minus strand). VCF-style: chr16-2046359-C-G. GRCh37 (hg19) VCF-style: chr16-2096360-C-G.
Other names: c.123G>C, p.Arg41Ser (NM_001318193.2); c.-56G>C (NM_001318194.2); short protein forms R41S.
Identifiers: ClinVar variation 2701154 (VCV002701154.3), dbSNP rs2084387412, ClinGen allele CA394298087.

ClinVar aggregate classification (germline): Uncertain significance (1 of 4 stars; one submission).

Submission:

Labcorp Genetics (formerly Invitae), Labcorp
Classification: Uncertain significance. Last evaluated: 2023-06-09. Review status: criteria provided, single submitter. Criteria: Invitae Variant Classification Sherloc (09022015). Collection method: clinical testing. Allele origin: germline.
Comment: In summary, the available evidence is currently insufficient to determine the role of this variant in disease. Therefore, it has been classified as a Variant of Uncertain Significance. An algorithm developed to predict the effect of missense changes on protein structure and function (PolyPhen-2) suggests that this variant is likely to be tolerated. This variant has not been reported in the literature in individuals affected with NTHL1-related conditions. This variant is not present in population databases (gnomAD no frequency). This sequence change replaces arginine, which is basic and polar, with serine, which is neutral and polar, at codon 49 of the NTHL1 protein (p.Arg49Ser).